The following is an entry in ClinVar:

NM_015213.4(DENND5A):c.3511+5G>A

Gene: DENND5A (DENN domain containing 5A; minus strand). Cytogenetic location: 11p15.4.
Variant type: single nucleotide variant.
Coding change: c.3511+5G>A on transcript NM_015213.4 (MANE Select); 5 bases into the intron after coding-DNA position 3511, G replaced by A.
Molecular consequence: intron variant.
Genome position (GRCh38, 1-based): chr11:9,142,717, C>T on the plus strand (G>A on the coding strand, the complement: DENND5A is on the minus strand). VCF-style: chr11-9142717-C-T. GRCh37 (hg19) VCF-style: chr11-9164264-C-T.
Other names: c.3439+5G>A (NM_001348749.2); c.3511+5G>A (NM_001243254.2); c.3223+5G>A (NM_001348750.2).
Identifiers: ClinVar variation 4882590 (VCV004882590.2).

ClinVar aggregate classification (germline): Uncertain significance (1 of 4 stars; one submission).

Submission:

Dasa
Classification: Uncertain significance. Last evaluated: 2025-11-27. Review status: criteria provided, single submitter. Criteria: DASA Assertion Criteria. Collection method: clinical testing. Allele origin: germline.
Comment: NM_015213.4(DENND5A):c.3511+5G>A is a splice-region variant. This variant is absent from population databases. Computational prediction algorithms are consistent with a deleterious effect. The currently available literature and clinical evidence are not sufficient to establish a definitive association between this variant and the reported condition. Therefore, this variant is classified as a variant of uncertain significance.